The following is an entry in ClinVar:

NM_000186.4(CFH):c.1166G>A (p.Cys389Tyr)

Gene: CFH (complement factor H; plus strand). Cytogenetic location: 1q31.3.
Variant type: single nucleotide variant.
Coding change: c.1166G>A on transcript NM_000186.4 (MANE Select); coding-DNA position 1166, G replaced by A.
Protein change: p.Cys389Tyr; replaces cysteine 389 with tyrosine.
Molecular consequence: missense variant.
Genome position (GRCh38, 1-based): chr1:196,690,069, G>A. VCF-style: chr1-196690069-G-A. GRCh37 (hg19) VCF-style: chr1-196659199-G-A.
Other names: c.1166G>A, p.Cys389Tyr (NM_001014975.3); short protein forms C389Y.
Identifiers: ClinVar variation 3376034 (VCV003376034.1).

ClinVar aggregate classification (germline): Uncertain significance (1 of 4 stars; one submission).

Submission:

GeneDx
Classification: Uncertain significance. Last evaluated: 2024-05-02. Review status: criteria provided, single submitter. Criteria: GeneDx Variant Classification Process June 2021. Collection method: clinical testing. Allele origin: germline. Affected: yes.
Comment: Not observed at significant frequency in large population cohorts (gnomAD); In silico analysis supports that this missense variant has a deleterious effect on protein structure/function; Has not been previously published as pathogenic or benign to our knowledge